The following is an entry in ClinVar:

ClinVar aggregate classification (germline): Benign (0 of 4 stars; one submission).

Conditions:
MUC16-related disorder. Also called: MUC16-related condition.

Allele frequency attached by ClinVar (database versions not stated): 1000 Genomes Project 30x 0.01624; 1000 Genomes Project 0.01637; ExAC 0.01897; gnomAD 0.02042; TOPMed 0.02091; ESP Exome Variant Server 0.02308; gnomAD exomes 0.02313.

Submission:

PreventionGenetics, part of Exact Sciences
Classification: Benign for MUC16-related condition. Last evaluated: 2019-06-28. Review status: no assertion criteria provided. Collection method: clinical testing. Allele origin: germline.
Comment: This variant is classified as benign based on ACMG/AMP sequence variant interpretation guidelines (Richards et al. 2015 PMID: 25741868, with internal and published modifications).

NM_001401501.2(MUC16):c.44535C>T (p.Ser14845=)

Gene: MUC16 (mucin 16, cell surface associated; minus strand). Cytogenetic location: 19p13.2.
Variant type: single nucleotide variant.
Coding change: c.44535C>T on transcript NM_001401501.2 (MANE Select); coding-DNA position 44535, C replaced by T.
Protein change: p.Ser14845=; no amino-acid change (serine 14845 retained).
Molecular consequence: synonymous variant.
Genome position (GRCh38, 1-based): chr19:8,871,590, G>A on the plus strand (C>T on the coding strand, the complement: MUC16 is on the minus strand). VCF-style: chr19-8871590-G-A. GRCh37 (hg19) VCF-style: chr19-8982266-G-A.
Other names: c.44961C>T, p.Ser14987= (NM_001414686.1); c.44415C>T, p.Ser14805= (NM_001414687.1); c.42009C>T, p.Ser14003= (NM_024690.2).
Identifiers: ClinVar variation 3056085 (VCV003056085.2), dbSNP rs76124866, ClinGen allele CA9162547.
Genomic context (GRCh38, chr19:8,871,590, plus strand): 5'-GATGCCATGGGTCTGCTGGCTCAGCTCATGGAACACCTGCTTGATAGGCAGACCTGGGCC[G>A]CTGAGGGGCTGCAGGTAGGTGCAGAGGAGGTCCACCCGTGTCTCAGCACCGTTCTTCACA-3'
Protein context (NP_001388430.1, residues 14835-14855): DLLCTYLQPL[Ser14845=]GPGLPIKQVF